The following is an entry in ClinVar:

ClinVar aggregate classification (germline): Uncertain significance. Review status: criteria provided, multiple submitters, no conflicts (2 of 4 stars). 2 submissions from 2 submitters: Uncertain significance (2). Last evaluated 2025-08-12.

Conditions:
Inborn genetic diseases. Identifiers: MedGen C0950123, MeSH D030342.
Singleton-Merten syndrome 1 (SGMRT1). Also called: Widened medullary cavities of bone, aortic calcification, abnormal dentition, and muscular weakness; Syndrome of widened medullary cavities of the metacarpals and phalanges, aortic calcification and abnormal dentition. Identifiers: Orphanet 85191, MedGen C4225427, MONDO:0024535, OMIM 182250.
Aicardi-Goutieres syndrome 7 (AGS7). Identifiers: Orphanet 51, MedGen C3888244, MONDO:0014367, OMIM 615846.

Submissions (2):

Ambry Genetics
Classification: Uncertain significance for Inborn genetic diseases. Last evaluated: 2025-08-12. Review status: criteria provided, single submitter. Criteria: Ambry Variant Classification Scheme 2023. Collection method: clinical testing. Allele origin: germline.

Labcorp Genetics (formerly Invitae), Labcorp
Classification: Uncertain significance for Aicardi-Goutieres syndrome 7; Singleton-Merten syndrome 1. Last evaluated: 2021-07-08. Review status: criteria provided, single submitter. Criteria: Invitae Variant Classification Sherloc (09022015). Collection method: clinical testing. Allele origin: germline.
Comment: In summary, the available evidence is currently insufficient to determine the role of this variant in disease. Therefore, it has been classified as a Variant of Uncertain Significance. This sequence change replaces serine with alanine at codon 735 of the IFIH1 protein (p.Ser735Ala). The serine residue is moderately conserved and there is a moderate physicochemical difference between serine and alanine. This variant is not present in population databases (ExAC no frequency). This variant has not been reported in the literature in individuals affected with IFIH1-related conditions. Algorithms developed to predict the effect of missense changes on protein structure and function (SIFT, PolyPhen-2, Align-GVGD) all suggest that this variant is likely to be tolerated.

NM_022168.4(IFIH1):c.2203T>G (p.Ser735Ala)

Gene: IFIH1 (interferon induced with helicase C domain 1; minus strand). Cytogenetic location: 2q24.2.
Variant type: single nucleotide variant.
Coding change: c.2203T>G on transcript NM_022168.4 (MANE Select); coding-DNA position 2203, T replaced by G.
Protein change: p.Ser735Ala; replaces serine 735 with alanine.
Molecular consequence: missense variant.
Genome position (GRCh38, 1-based): chr2:162,276,788, A>C on the plus strand (T>G on the coding strand, the complement: IFIH1 is on the minus strand). VCF-style: chr2-162276788-A-C. GRCh37 (hg19) VCF-style: chr2-163133298-A-C.
Other names: c.2203T>G (NM_022168.2); short protein forms S735A.
Identifiers: ClinVar variation 1356794 (VCV001356794.9), dbSNP rs1268036060, ClinGen allele CA348996843.